The following is an entry in ClinVar:

ClinVar aggregate classification (germline): Uncertain significance (1 of 4 stars; one submission).

gnomAD v4.1: 12 of 1,613,944 alleles (0.00074%); highest among the groups gnomAD compares: Non-Finnish European, 0.001%; no homozygotes.

Submission:

GeneDx
Classification: Uncertain significance. Last evaluated: 2024-07-23. Review status: criteria provided, single submitter. Criteria: GeneDx Variant Classification Process June 2021. Collection method: clinical testing. Allele origin: germline. Affected: yes.
Comment: Not observed at significant frequency in large population cohorts (gnomAD); In silico analysis supports that this missense variant has a deleterious effect on protein structure/function; Has not been previously published as pathogenic or benign to our knowledge

NM_018993.4(RIN2):c.1457C>G (p.Ser486Cys)

Gene: RIN2 (Ras and Rab interactor 2; plus strand). Cytogenetic location: 20p11.23.
Variant type: single nucleotide variant.
Coding change: c.1457C>G on transcript NM_018993.4 (MANE Select); coding-DNA position 1457, C replaced by G.
Protein change: p.Ser486Cys; replaces serine 486 with cysteine.
Molecular consequence: missense variant.
Genome position (GRCh38, 1-based): chr20:19,975,482, C>G. VCF-style: chr20-19975482-C-G. GRCh37 (hg19) VCF-style: chr20-19956126-C-G.
Other names: c.1604C>G, p.Ser535Cys (NM_001242581.2); c.839C>G, p.Ser280Cys (NM_001378238.1); short protein forms S280C, S486C, S535C.
Identifiers: ClinVar variation 3600909 (VCV003600909.1).